The following is an entry in ClinVar:

ClinVar aggregate classification (germline): Uncertain significance (1 of 4 stars; one submission).

Allele frequency attached by ClinVar (database versions not stated): gnomAD exomes below 0.00001.
gnomAD v4.1: 2 of 1,553,076 alleles (0.00013%); highest among the groups gnomAD compares: Non-Finnish European, 0.00017%; no homozygotes.

Submission:

Labcorp Genetics (formerly Invitae), Labcorp
Classification: Uncertain significance. Last evaluated: 2022-03-27. Review status: criteria provided, single submitter. Criteria: Invitae Variant Classification Sherloc (09022015). Collection method: clinical testing. Allele origin: germline.
Comment: In summary, the available evidence is currently insufficient to determine the role of this variant in disease. Therefore, it has been classified as a Variant of Uncertain Significance. Algorithms developed to predict the effect of missense changes on protein structure and function are either unavailable or do not agree on the potential impact of this missense change (SIFT: "Deleterious"; PolyPhen-2: "Not Available"; Align-GVGD: "Class C0"). This variant has not been reported in the literature in individuals affected with COL9A2-related conditions. This variant is not present in population databases (gnomAD no frequency). This sequence change replaces glycine, which is neutral and non-polar, with valine, which is neutral and non-polar, at codon 27 of the COL9A2 protein (p.Gly27Val).

NM_001852.4(COL9A2):c.80G>T (p.Gly27Val)

Genes: COL9A2 (collagen type IX alpha 2 chain; minus strand), LOC129930261 (ATAC-STARR-seq lymphoblastoid silent region 724; plus strand). Cytogenetic location: 1p34.2.
Variant type: single nucleotide variant.
Coding change: c.80G>T on transcript NM_001852.4 (MANE Select); coding-DNA position 80, G replaced by T.
Protein change: p.Gly27Val; replaces glycine 27 with valine.
Molecular consequence: missense variant.
Genome position (GRCh38, 1-based): chr1:40,315,660, C>A on the plus strand (G>T on the coding strand, the complement: COL9A2 is on the minus strand). VCF-style: chr1-40315660-C-A. GRCh37 (hg19) VCF-style: chr1-40781332-C-A.
Other names: short protein forms G27V.
Identifiers: ClinVar variation 2182321 (VCV002182321.4), dbSNP rs753341843, ClinGen allele CA792108.
Genomic context (GRCh38, chr1:40,315,660, plus strand): 5'-TCGGATCCAGGCACTCCCGGCGGTCCCGGGGGACCCGGGGGGCCCCGCTCTCCCGGTGGA[C>A]CTCTCTGAAAAACACACACGGGGTGGGGCAGTCCTCAGACAGTGCAGGAAGCTGGGCGTC-3'
Protein context (NP_001843.1, residues 17-37): VVVLALAQIR[Gly27Val]PPGERGPPGP